The following is an entry in ClinVar:

NM_001323087.2(JAKMIP3):c.519G>A (p.Thr173=)

Gene: JAKMIP3 (Janus kinase and microtubule interacting protein 3; plus strand). Cytogenetic location: 10q26.3.
Variant type: single nucleotide variant.
Coding change: c.519G>A on transcript NM_001323087.2 (MANE Select); coding-DNA position 519, G replaced by A.
Protein change: p.Thr173=; no amino-acid change (threonine 173 retained).
Molecular consequence: synonymous variant.
Genome position (GRCh38, 1-based): chr10:132,117,460, G>A. VCF-style: chr10-132117460-G-A. GRCh37 (hg19) VCF-style: chr10-133930964-G-A.
Other names: c.519G>A, p.Thr173= (NM_001105521.4, NM_001323086.2, NM_001323088.2 and 28 more transcripts); c.270G>A, p.Thr90= (NM_001392061.1, NM_001392062.1, NM_001392067.1).
Identifiers: ClinVar variation 4821570 (VCV004821570.4).

ClinVar aggregate classification (germline): Likely benign (1 of 4 stars; one submission).

gnomAD v4.1: 26 of 1,613,828 alleles (0.0016%); highest among the groups gnomAD compares: East Asian, 0.0089%; no homozygotes.

Submission:

CeGaT Center for Human Genetics Tuebingen
Classification: Likely benign. Last evaluated: 2026-01-01. Review status: criteria provided, single submitter. Criteria: CeGaT Center For Human Genetics Tuebingen Variant Classification Criteria Version 2. Collection method: clinical testing. Allele origin: germline. Affected: yes. Observed: 1 variant allele.
Comment: JAKMIP3: BP4, BP7